The following is an entry in ClinVar:

NM_000258.3(MYL3):c.3G>A (p.Met1Ile)

Gene: MYL3 (myosin light chain 3; minus strand). Cytogenetic location: 3p21.31.
Variant type: single nucleotide variant.
Coding change: c.3G>A on transcript NM_000258.3 (MANE Select); coding-DNA position 3, G replaced by A.
Protein change: p.Met1Ile; changes the start codon (methionine 1).
Molecular consequence: missense variant, initiator codon variant.
Genome position (GRCh38, 1-based): chr3:46,863,388, C>T on the plus strand (G>A on the coding strand, the complement: MYL3 is on the minus strand). VCF-style: chr3-46863388-C-T. GRCh37 (hg19) VCF-style: chr3-46904878-C-T.
Other names: c.3G>A, p.Met1Ile (NM_001406937.1, NM_001406938.1, NM_001406939.1); short protein forms M1I.
Identifiers: ClinVar variation 4860608 (VCV004860608.1).
Genomic context (GRCh38, chr3:46,863,388, plus strand): 5'-TGGAGCTGCCTTGGGGGCTGCCTTGGCATCATCCTTCTTGGGCTCTGGCTTTTTGGGGGC[C>T]ATTGGGGGCTGTAAGTACAGAGAGGGATGTGGAGAGAAGAATGCAGAAAGCAGGGTAGGT-3'
Protein context (NP_000249.1, residues 1-11): [Met1Ile]APKKPEPKKD

ClinVar aggregate classification (germline): Uncertain significance (1 of 4 stars; one submission).

Conditions:
Cardiovascular phenotype. Identifiers: MedGen CN230736.

Submission:

Ambry Genetics
Classification: Uncertain significance for Cardiovascular phenotype. Last evaluated: 2026-05-26. Review status: criteria provided, single submitter. Criteria: Ambry Variant Classification Scheme 2023. Collection method: clinical testing. Allele origin: germline.
Comment: The p.M1? variant (also known as c.3G>A) is located in coding exon 1 of the MYL3 gene and results from a G to A substitution at nucleotide position 3. This alters the methionine residue at the initiation codon (ATG). This amino acid position is highly conserved in available vertebrate species. Variations that modify the initiation codon (ATG) are expected to result in either loss of translation initiation, N-terminal truncation, or cause a shift in the mRNA reading frame; however, loss of function of MYL3 has not been clearly established as a mechanism of disease. Since supporting evidence is limited at this time, the clinical significance of this alteration remains unclear.